The following is an entry in ClinVar:

ClinVar aggregate classification (germline): Uncertain significance (1 of 4 stars; one submission).

Allele frequency attached by ClinVar (database versions not stated): gnomAD exomes below 0.00001; ExAC 0.00001.

Submission:

Women's Health and Genetics/Laboratory Corporation of America, LabCorp
Classification: Uncertain significance. Last evaluated: 2024-06-05. Review status: criteria provided, single submitter. Criteria: LabCorp Variant Classification Summary - May 2015. Collection method: clinical testing. Allele origin: germline.
Comment: Variant summary: ARSA c.757C>G (p.Leu253Val) results in a conservative amino acid change in the encoded protein sequence. Two of four in-silico tools predict a benign effect of the variant on protein function. The frequency data for this variant in gnomAD is considered unreliable, as metrics indicate poor data quality at this position. To our knowledge, no occurrence of c.757C>G in individuals affected with Metachromatic Leukodystrophy and no experimental evidence demonstrating its impact on protein function have been reported. ClinVar contains an entry for this variant (Variation ID: 3237233). Based on the evidence outlined above, the variant was classified as uncertain significance.

NM_000487.6(ARSA):c.757C>G (p.Leu253Val)

Gene: ARSA (arylsulfatase A; minus strand). Cytogenetic location: 22q13.33.
Variant type: single nucleotide variant.
Coding change: c.757C>G on transcript NM_000487.6 (MANE Select); coding-DNA position 757, C replaced by G.
Protein change: p.Leu253Val; replaces leucine 253 with valine.
Molecular consequence: missense variant.
Genome position (GRCh38, 1-based): chr22:50,626,688, G>C on the plus strand (C>G on the coding strand, the complement: ARSA is on the minus strand). VCF-style: chr22-50626688-G-C. GRCh37 (hg19) VCF-style: chr22-51065116-G-C.
Other names: c.757C>G, p.Leu253Val (NM_001085425.3, NM_001085426.3, NM_001085427.3); c.499C>G, p.Leu167Val (NM_001085428.3, NM_001362782.2); short protein forms L167V, L253V.
Identifiers: ClinVar variation 3237233 (VCV003237233.3), dbSNP rs771024706.